The following is an entry in ClinVar:

NM_000218.3(KCNQ1):c.1252-2A>C

Gene: KCNQ1 (potassium voltage-gated channel subfamily Q member 1; plus strand). Cytogenetic location: 11p15.5.
Variant type: single nucleotide variant.
Coding change: c.1252-2A>C on transcript NM_000218.3 (MANE Select); the canonical splice acceptor site of the intron before coding-DNA position 1252, A replaced by C.
Molecular consequence: splice acceptor variant.
Genome position (GRCh38, 1-based): chr11:2,588,711, A>C. VCF-style: chr11-2588711-A-C. GRCh37 (hg19) VCF-style: chr11-2609941-A-C.
Other names: c.982-2A>C (NM_001406837.1); c.1156-2A>C (NM_001406836.1); c.712-2A>C (NM_001406838.1); c.871-2A>C (NM_181798.2).
Identifiers: ClinVar variation 1067022 (VCV001067022.15), dbSNP rs771458482, ClinGen allele CA379134888.
Genomic context (GRCh38, chr11:2,588,711, plus strand): 5'-CCGGCGTAGGGCCTGGCAGACGATGTCCAGGAACCGCTAATCTGTTGTCTTGTTTTTTTT[A>C]GGTAAAGAAAAAAAAGTTCAAGCTGGACAAAGACAATGGGGTGACTCCTGGAGAGAAGAT-3'

ClinVar aggregate classification (germline): Likely pathogenic (1 of 4 stars; one submission).

Conditions:
Long QT syndrome (LQTS). Identifiers: MedGen C0023976, MeSH D008133, MONDO:0002442. Disease mechanism: loss of function. Inheritance: Various modes of inheritance.

Submission:

Labcorp Genetics (formerly Invitae), Labcorp
Classification: Likely pathogenic for Long QT syndrome. Last evaluated: 2020-01-09. Review status: criteria provided, single submitter. Criteria: Invitae Variant Classification Sherloc (09022015). Collection method: clinical testing. Allele origin: germline.
Comment: In summary, the currently available evidence indicates that the variant is pathogenic, but additional data are needed to prove that conclusively. Therefore, this variant has been classified as Likely Pathogenic. Donor and acceptor splice site variants typically lead to a loss of protein function (PMID: 16199547), and loss-of-function variants in KCNQ1 are known to be pathogenic (PMID: 9323054, 19862833). Algorithms developed to predict the effect of sequence changes on RNA splicing suggest that this variant may disrupt the consensus splice site, but this prediction has not been confirmed by published transcriptional studies. This variant has not been reported in the literature in individuals with KCNQ1-related conditions. This variant is not present in population databases (ExAC no frequency). This sequence change affects an acceptor splice site in intron 9 of the KCNQ1 gene. It is expected to disrupt RNA splicing and likely results in an absent or disrupted protein product.

Literature cited by the submitters: PubMed 16199547; PubMed 9323054; PubMed 19862833.